The following is an entry in ClinVar:

NM_014423.4(AFF4):c.3100-4A>C

Gene: AFF4 (ALF transcription elongation factor 4; minus strand). Cytogenetic location: 5q31.1.
Variant type: single nucleotide variant.
Coding change: c.3100-4A>C on transcript NM_014423.4 (MANE Select); 4 bases into the intron before coding-DNA position 3100, A replaced by C.
Molecular consequence: intron variant.
Genome position (GRCh38, 1-based): chr5:132,885,123, T>G on the plus strand (A>C on the coding strand, the complement: AFF4 is on the minus strand). VCF-style: chr5-132885123-T-G. GRCh37 (hg19) VCF-style: chr5-132220815-T-G.
Identifiers: ClinVar variation 4988428 (VCV004988428.1).

ClinVar aggregate classification (germline): Likely benign (1 of 4 stars; one submission).

Conditions:
AFF4-related disorder. Also called: AFF4-related condition.

Submission:

PreventionGenetics, part of Exact Sciences
Classification: Likely benign for AFF4-related condition. Last evaluated: 2025-01-03. Review status: criteria provided, single submitter. Criteria: ACMG Guidelines, 2015. Collection method: clinical testing. Allele origin: germline.
Comment: This variant is classified as likely benign based on ACMG/AMP sequence variant interpretation guidelines (Richards et al. 2015 PMID: 25741868, with internal and published modifications).